The following is an entry in ClinVar:

ClinVar aggregate classification (germline): Uncertain significance. Review status: criteria provided, multiple submitters, no conflicts (2 of 4 stars). 2 submissions from 2 submitters: Uncertain significance (2). Last evaluated 2022-01-26.

Conditions:
H syndrome. Also called: HISTIOCYTOSIS AND LYMPHADENOPATHY WITH OR WITHOUT CUTANEOUS, CARDIAC, AND/OR ENDOCRINE FEATURES, JOINT CONTRACTURES, AND/OR DEAFNESS; HYPERPIGMENTATION, CUTANEOUS, WITH HYPERTRICHOSIS, HEPATOSPLENOMEGALY, HEART ANOMALIES, AND HYPOGONADISM WITH OR WITHOUT HEARING LOSS; PIGMENTED HYPERTRICHOSIS WITH INSULIN-DEPENDENT DIABETES MELLITUS; ROSAI-DORFMAN DISEASE, FAMILIAL; SINUS HISTIOCYTOSIS AND MASSIVE LYMPHADENOPATHY; Hyperpigmentation, Cutaneous, with Hypertrichosis, Hepatosplenomegaly, Heart Anomalies, Hearing Loss, and Hypogonadism. Identifiers: Orphanet 168569, MedGen C1864445, MONDO:0011273, OMIM 602782.

gnomAD v4.1: 25 of 1,614,158 alleles (0.0015%); highest among the groups gnomAD compares: Non-Finnish European, 0.0021%; no homozygotes.

Submissions (2):

Labcorp Genetics (formerly Invitae), Labcorp
Classification: Uncertain significance for H syndrome. Last evaluated: 2022-01-26. Review status: criteria provided, single submitter. Criteria: Invitae Variant Classification Sherloc (09022015). Collection method: clinical testing. Allele origin: germline.
Comment: This variant is present in population databases (no rsID available, gnomAD 0.0009%). This variant has not been reported in the literature in individuals affected with SLC29A3-related conditions. This sequence change replaces leucine, which is neutral and non-polar, with phenylalanine, which is neutral and non-polar, at codon 107 of the SLC29A3 protein (p.Leu107Phe). Algorithms developed to predict the effect of missense changes on protein structure and function are either unavailable or do not agree on the potential impact of this missense change (SIFT: "Deleterious"; PolyPhen-2: "Benign"; Align-GVGD: "Class C0"). In summary, the available evidence is currently insufficient to determine the role of this variant in disease. Therefore, it has been classified as a Variant of Uncertain Significance.

Breakthrough Genomics
Classification: Uncertain significance. Review status: criteria provided, single submitter. Criteria: ACMG Guidelines, 2015. Collection method: not provided. Allele origin: germline. Inheritance: Autosomal recessive inheritance. Affected: yes.

NM_018344.6(SLC29A3):c.319C>T (p.Leu107Phe)

Genes: SLC29A3 (solute carrier family 29 member 3; plus strand), LOC105378353 (uncharacterized LOC105378353; minus strand). Cytogenetic location: 10q22.1.
Variant type: single nucleotide variant.
Coding change: c.319C>T on transcript NM_018344.6 (MANE Select); coding-DNA position 319, C replaced by T.
Protein change: p.Leu107Phe; replaces leucine 107 with phenylalanine.
Molecular consequence: missense variant.
Genome position (GRCh38, 1-based): chr10:71,344,227, C>T. VCF-style: chr10-71344227-C-T. GRCh37 (hg19) VCF-style: chr10-73103984-C-T.
Other names: c.319C>T, p.Leu107Phe (NM_001174098.2); c.85C>T, p.Leu29Phe (NM_001363518.2); short protein forms L29F, L107F.
Identifiers: ClinVar variation 1360392 (VCV001360392.7), dbSNP rs1046929974, ClinGen allele CA209401248.
Genomic context (GRCh38, chr10:71,344,227, plus strand): 5'-TCCCTGAGTGACCGCAGCACCTCCTCACTTGTGTGCTTGCAGAACTACTTTGAGAGCTAC[C>T]TTGCCGTTGCCTCCACCGTGCCCTCCATGCTGTGCCTGGTGGCCAACTTCCTGCTTGTCA-3'
Protein context (NP_060814.4, residues 97-117): SDILNYFESY[Leu107Phe]AVASTVPSML